The following is an entry in ClinVar:

ClinVar aggregate classification (germline): Likely benign (1 of 4 stars; one submission).

Allele frequency attached by ClinVar (database versions not stated): ExAC 0.00142; TOPMed 0.00373; 1000 Genomes Project 0.00379; 1000 Genomes Project 30x 0.00390; ESP Exome Variant Server 0.00394.
gnomAD v4.1: 1,588 of 1,550,404 alleles (0.1%); highest among the groups gnomAD compares: African/African-American, 0.92%; 7 homozygotes.

Submission:

CeGaT Center for Human Genetics Tuebingen
Classification: Likely benign. Last evaluated: 2022-12-01. Review status: criteria provided, single submitter. Criteria: CeGaT Center For Human Genetics Tuebingen Variant Classification Criteria Version 2. Collection method: clinical testing. Allele origin: germline. Affected: yes. Observed: 2 variant alleles.
Comment: ANKRD65: BP4, BS2

NM_001145210.3(ANKRD65):c.963G>C (p.Leu321=)

Gene: ANKRD65 (ankyrin repeat domain 65; minus strand). Cytogenetic location: 1p36.33.
Variant type: single nucleotide variant.
Coding change: c.963G>C on transcript NM_001145210.3 (MANE Select); coding-DNA position 963, G replaced by C.
Protein change: p.Leu321=; no amino-acid change (leucine 321 retained).
Molecular consequence: synonymous variant. On other transcripts: missense variant (2), 3 prime UTR variant (2).
Genome position (GRCh38, 1-based): chr1:1,419,337, C>G on the plus strand (G>C on the coding strand, the complement: ANKRD65 is on the minus strand). VCF-style: chr1-1419337-C-G. GRCh37 (hg19) VCF-style: chr1-1354717-C-G.
Other names: c.422G>C, p.Cys141Ser (NM_001243535.2, NM_001375659.1); c.*205G>C (NM_001243536.2, NM_001375660.1); short protein forms C141S.
Identifiers: ClinVar variation 2638009 (VCV002638009.24), dbSNP rs147239403, ClinGen allele CA522843.
Genomic context (GRCh38, chr1:1,419,337, plus strand): 5'-CAGGTGTAGGGGGGTCTTTCGGAGCCAGCCGGTAGCATCCACCTGGGCACCCCTGTCCAG[C>G]AGGCAGCCGGCAACCTCCACGTGGCCTTCCCGAGAGGCGTGATGCAGGGGTGTGAGGCCC-3'
Protein context (NP_001138682.1, residues 311-331): REGHVEVAGC[Leu321=]LDRGAQVDAT